The following is an entry in ClinVar:

ClinVar aggregate classification (germline): Likely pathogenic. Review status: criteria provided, multiple submitters, no conflicts (2 of 4 stars). 3 submissions from 3 submitters: Likely pathogenic (2). 1 of the submissions does not count toward it. Last evaluated 2024-08-05.

Conditions:
Usher syndrome. Also called: Usher's syndrome; Usher Syndromes. Identifiers: Orphanet 886, MedGen CN469326, MeSH D052245, MONDO:0019501. Disease mechanism: loss of function.
Autosomal recessive nonsyndromic hearing loss 18A. Also called: DEAFNESS, AUTOSOMAL RECESSIVE 18; Deafness, autosomal recessive 18A. Identifiers: Orphanet 90636, MedGen C1865870, MONDO:0011192, OMIM 602092.
Usher syndrome type 1C. Also called: USHER SYNDROME, TYPE I, ACADIAN VARIETY. Identifiers: Orphanet 231169, Orphanet 886, MedGen C1848604, MONDO:0010171, OMIM 276904.

Allele frequency attached by ClinVar (database versions not stated): gnomAD 0.00001 and 0.00002.

Submissions (3):

Women's Health and Genetics/Laboratory Corporation of America, LabCorp
Classification: Likely pathogenic for Usher syndrome. Last evaluated: 2024-08-05. Review status: criteria provided, single submitter. Criteria: LabCorp Variant Classification Summary - May 2015. Collection method: clinical testing. Allele origin: germline.
Comment: Variant summary: USH1C c.248+1G>A is located in a canonical splice-site and is predicted to affect mRNA splicing resulting in a significantly altered protein due to either exon skipping, shortening, or inclusion of intronic material. Variants that disrupt the consensus splice site are a relatively common cause of aberrant splicing and loss of USH1C function. Several computational tools predict a significant impact on normal splicing: Two predict the variant abolishes a canonical 5' splicing donor site. However, these predictions have yet to be confirmed by functional studies. The frequency data for this variant in gnomAD is considered unreliable, as metrics indicate poor data quality at this position. c.248+1G>A has been reported in the literature in at-least one individual affected with Retinal Disorder (Lin_2024). These data indicate that the variant may be associated with disease. The following publication has been ascertained in the context of this evaluation (PMID: 38219857). ClinVar contains an entry for this variant (Variation ID: 555472). Based on the evidence outlined above, the variant was classified as likely pathogenic.

Labcorp Genetics (formerly Invitae), Labcorp
Classification: Likely pathogenic. Last evaluated: 2021-05-13. Review status: criteria provided, single submitter. Criteria: Invitae Variant Classification Sherloc (09022015). Collection method: clinical testing. Allele origin: germline.
Comment: This variant is not present in population databases (ExAC no frequency). In summary, the currently available evidence indicates that the variant is pathogenic, but additional data are needed to prove that conclusively. Therefore, this variant has been classified as Likely Pathogenic. Algorithms developed to predict the effect of sequence changes on RNA splicing suggest that this variant may disrupt the consensus splice site, but this prediction has not been confirmed by published transcriptional studies. This variant has not been reported in the literature in individuals with USH1C-related conditions. ClinVar contains an entry for this variant (Variation ID: 555472). This sequence change affects a donor splice site in intron 3 of the USH1C gene. It is expected to disrupt RNA splicing. Variants that disrupt the donor or acceptor splice site typically lead to a loss of protein function (PMID: 16199547), and loss-of-function variants in USH1C are known to be pathogenic (PMID: 10973247, 17407589, 20301442, 21203349).

Counsyl
Classification: Likely pathogenic for Usher syndrome type 1C; Autosomal recessive nonsyndromic hearing loss 18A. Last evaluated: 2017-12-08. Review status: no assertion criteria provided. Collection method: clinical testing. Allele origin: unknown. Not counted in ClinVar's aggregate classification.

Literature cited by the submitters: PubMed 38219857 (cited by Women's Health and Genetics/Laboratory Corporation of America, LabCorp); PubMed 16199547 (cited by Labcorp Genetics (formerly Invitae), Labcorp); PubMed 10973247 (cited by Labcorp Genetics (formerly Invitae), Labcorp); PubMed 17407589 (cited by Labcorp Genetics (formerly Invitae), Labcorp); PubMed 20301442 (cited by Labcorp Genetics (formerly Invitae), Labcorp); PubMed 21203349 (cited by Labcorp Genetics (formerly Invitae), Labcorp).

NM_153676.4(USH1C):c.248+1G>A

Gene: USH1C (USH1 protein network component harmonin; minus strand). Cytogenetic location: 11p15.1.
Variant type: single nucleotide variant.
Coding change: c.248+1G>A on transcript NM_153676.4 (MANE Select); the canonical splice donor site of the intron after coding-DNA position 248, G replaced by A.
Molecular consequence: splice donor variant.
Genome position (GRCh38, 1-based): chr11:17,531,398, C>T on the plus strand (G>A on the coding strand, the complement: USH1C is on the minus strand). VCF-style: chr11-17531398-C-T. GRCh37 (hg19) VCF-style: chr11-17552945-C-T.
Other names: c.248+1G>A (NM_001297764.2, NM_005709.4).
Identifiers: ClinVar variation 555472 (VCV000555472.11), dbSNP rs1482487617, ClinGen allele CA379797643.